The following is an entry in ClinVar:

ClinVar aggregate classification (germline): Conflicting classifications of pathogenicity. Review status: criteria provided, conflicting classifications (1 of 4 stars). 2 submissions from 2 submitters: Likely pathogenic (1); Uncertain significance (1). Last evaluated 2024-05-06.

Conditions:
Spinocerebellar ataxia type 42. Identifiers: Orphanet 458803, MedGen C4225205, MONDO:0014776, OMIM 616795.

Submissions (2):

Labcorp Genetics (formerly Invitae), Labcorp
Classification: Uncertain significance. Last evaluated: 2024-05-06. Review status: criteria provided, single submitter. Criteria: Invitae Variant Classification Sherloc (09022015). Collection method: clinical testing. Allele origin: germline.
Comment: This sequence change replaces threonine, which is neutral and polar, with asparagine, which is neutral and polar, at codon 1987 of the CACNA1G protein (p.Thr1987Asn). This variant is present in population databases (no rsID available, gnomAD 0.01%). This missense change has been observed in individual(s) with spinocerebellar ataxia (PMID: 34445196). ClinVar contains an entry for this variant (Variation ID: 1027471). An algorithm developed to predict the effect of missense changes on protein structure and function (PolyPhen-2) suggests that this variant is likely to be disruptive. In summary, the available evidence is currently insufficient to determine the role of this variant in disease. Therefore, it has been classified as a Variant of Uncertain Significance.

Molecular Medicine for Neurodegenerative and Neuromuscular Diseases Unit, IRCCS Fondazione Stella Maris
Classification: Likely pathogenic for Spinocerebellar ataxia type 42. Last evaluated: 2021-01-04. Review status: criteria provided, single submitter. Criteria: ACMG Guidelines, 2015. Collection method: research. Allele origin: unknown. Affected: yes.

Literature cited by the submitters: PubMed 34445196 (cited by Labcorp Genetics (formerly Invitae), Labcorp).

NM_018896.5(CACNA1G):c.5960_5961delinsAC (p.Thr1987Asn)

Gene: CACNA1G (calcium voltage-gated channel subunit alpha1 G; plus strand). Cytogenetic location: 17q21.33.
Variant type: Indel.
Coding change: c.5960_5961delinsAC on transcript NM_018896.5 (MANE Select); coding-DNA positions 5960 to 5961, CG replaced by AC.
Protein change: p.Thr1987Asn; replaces threonine 1987 with asparagine.
Molecular consequence: missense variant. On other transcripts: intron variant (24).
Genome position (GRCh38, 1-based): chr17:50,621,694-50,621,695, CG replaced by AC. VCF-style: chr17-50621694-CG-AC. GRCh37 (hg19) VCF-style: chr17-48699055-CG-AC.
Other names: c.5960_5961delCGinsAC (NM_018896.5); c.5927_5928delinsAC, p.Thr1976Asn (NM_198377.3); c.5747_5748delinsAC, p.Thr1916Asn (NM_198383.3); c.5858_5859delinsAC, p.Thr1953Asn (NM_198396.3); c.5803-2213_5803-2212delinsAC (NM_001256325.2); c.5892+1868_5892+1869delinsAC (NM_198380.3); c.5749-2213_5749-2212delinsAC (NM_198378.3, NM_001256334.2); c.5925+1868_5925+1869delinsAC (NM_198385.3); and 16 more; short protein forms T1916N, T1953N, T1976N, T1987N.
Identifiers: ClinVar variation 1027471 (VCV001027471.3), dbSNP rs2146373286, ClinGen allele CA2499224744.